The following is an entry in ClinVar:

NM_004036.5(ADCY3):c.100C>G (p.Arg34Gly)

Gene: ADCY3 (adenylate cyclase 3; minus strand). Cytogenetic location: 2p23.3.
Variant type: single nucleotide variant.
Coding change: c.100C>G on transcript NM_004036.5 (MANE Select); coding-DNA position 100, C replaced by G.
Protein change: p.Arg34Gly; replaces arginine 34 with glycine.
Molecular consequence: missense variant.
Genome position (GRCh38, 1-based): chr2:24,918,888, G>C on the plus strand (C>G on the coding strand, the complement: ADCY3 is on the minus strand). VCF-style: chr2-24918888-G-C. GRCh37 (hg19) VCF-style: chr2-25141757-G-C.
Other names: c.100C>G, p.Arg34Gly (NM_001320613.2, NM_001377128.1, NM_001377129.1 and 2 more transcripts); short protein forms R34G.
Identifiers: ClinVar variation 1410742 (VCV001410742.6), dbSNP rs764037677, ClinGen allele CA346064144.

ClinVar aggregate classification (germline): Uncertain significance (1 of 4 stars; one submission).

Allele frequency attached by ClinVar (database versions not stated): TOPMed below 0.00001.
gnomAD v4.1: 1 of 1,612,976 alleles (0.000062%); highest among the groups gnomAD compares: Non-Finnish European, 0.000085%; no homozygotes.

Submission:

Labcorp Genetics (formerly Invitae), Labcorp
Classification: Uncertain significance. Last evaluated: 2021-08-11. Review status: criteria provided, single submitter. Criteria: Invitae Variant Classification Sherloc (09022015). Collection method: clinical testing. Allele origin: germline.
Comment: In summary, the available evidence is currently insufficient to determine the role of this variant in disease. Therefore, it has been classified as a Variant of Uncertain Significance. Algorithms developed to predict the effect of missense changes on protein structure and function are either unavailable or do not agree on the potential impact of this missense change (SIFT: "Not Available"; PolyPhen-2: "Benign"; Align-GVGD: "Not Available"). This variant has not been reported in the literature in individuals affected with ADCY3-related conditions. This variant is not present in population databases (ExAC no frequency). This sequence change replaces arginine with glycine at codon 34 of the ADCY3 protein (p.Arg34Gly). The arginine residue is highly conserved and there is a moderate physicochemical difference between arginine and glycine.